The following is an entry in ClinVar:

ClinVar aggregate classification (germline): Uncertain significance (1 of 4 stars; one submission).

Conditions:
Familial episodic pain syndrome with predominantly lower limb involvement. Also called: Episodic pain syndrome, familial, 3. Identifiers: Orphanet 391384, Orphanet 391392, MedGen C3809899, MONDO:0014247, OMIM 615552.
Hereditary sensory and autonomic neuropathy type 7. Also called: HSAN VII; Neuropathy, hereditary sensory and autonomic, type VII. Identifiers: Orphanet 391397, MedGen C3809882, MONDO:0014244, OMIM 615548.

Allele frequency attached by ClinVar (database versions not stated): gnomAD exomes 0.00001.
gnomAD v4.1: 8 of 1,560,306 alleles (0.00051%); highest among the groups gnomAD compares: Non-Finnish European, 0.00071%; no homozygotes.

Submission:

Labcorp Genetics (formerly Invitae), Labcorp
Classification: Uncertain significance for Familial episodic pain syndrome with predominantly lower limb involvement; Hereditary sensory and autonomic neuropathy type 7. Last evaluated: 2024-01-29. Review status: criteria provided, single submitter. Criteria: Invitae Variant Classification Sherloc (09022015). Collection method: clinical testing. Allele origin: germline.
Comment: This sequence change falls in intron 17 of the SCN11A gene. It does not directly change the encoded amino acid sequence of the SCN11A protein. It affects a nucleotide within the consensus splice site. The frequency data for this variant in the population databases is considered unreliable, as metrics indicate poor data quality at this position in the gnomAD database. This variant has not been reported in the literature in individuals affected with SCN11A-related conditions. Variants that disrupt the consensus splice site are a relatively common cause of aberrant splicing (PMID: 17576681, 9536098). Algorithms developed to predict the effect of sequence changes on RNA splicing suggest that this variant may disrupt the consensus splice site. In summary, the available evidence is currently insufficient to determine the role of this variant in disease. Therefore, it has been classified as a Variant of Uncertain Significance.

Literature cited by the submitters: PubMed 17576681; PubMed 9536098.

NM_001349253.2(SCN11A):c.3064+4A>G

Gene: SCN11A (sodium voltage-gated channel alpha subunit 11; minus strand). Cytogenetic location: 3p22.2.
Variant type: single nucleotide variant.
Coding change: c.3064+4A>G on transcript NM_001349253.2 (MANE Select); 4 bases into the intron after coding-DNA position 3064, A replaced by G.
Molecular consequence: intron variant.
Genome position (GRCh38, 1-based): chr3:38,885,284, T>C on the plus strand (A>G on the coding strand, the complement: SCN11A is on the minus strand). VCF-style: chr3-38885284-T-C. GRCh37 (hg19) VCF-style: chr3-38926775-T-C.
Other names: c.3064+4A>G (NM_014139.3).
Identifiers: ClinVar variation 2936401 (VCV002936401.3), dbSNP rs1262481708, ClinGen allele CA542286606.